The following is an entry in ClinVar:

NC_000022.11:g.21215926A>G

Gene: GGT2 (gamma-glutamyltransferase 2; minus strand). Cytogenetic location: 22q11.21.
Variant type: single nucleotide variant.
Genome position: GRCh38 VCF-style: chr22-21215926-A-G. GRCh37 (hg19) VCF-style: chr22-21570215-A-G.
Identifiers: ClinVar variation 2652939 (VCV002652939.23), dbSNP rs1601887609, ClinGen allele CA513640322.
Genomic context (GRCh38, chr22:21,215,926, plus strand): 5'-ACAGCTCAGGGTTTCCACTGCAGAGTTCCTCACCCAGGTCCTTGAGGTTACCCACTCACC[A>G]GCCGCCTGGATGTCCTTCACAATCTGGGCCATGAGGCTGCCGTTGTAGAAGGCCTGGGCA-3'

ClinVar aggregate classification (germline): Likely benign (1 of 4 stars; one submission).

Submission:

CeGaT Center for Human Genetics Tuebingen
Classification: Likely benign. Last evaluated: 2023-08-01. Review status: criteria provided, single submitter. Criteria: CeGaT Center For Human Genetics Tuebingen Variant Classification Criteria Version 2. Collection method: clinical testing. Allele origin: germline. Affected: yes. Observed: 1 variant allele.
Comment: GGT2P: PM2:Supporting, BP4, BP7